The following is an entry in ClinVar:

ClinVar aggregate classification (germline): Likely benign. Review status: criteria provided, multiple submitters, no conflicts (2 of 4 stars). 2 submissions from 2 submitters: Likely benign (2). Last evaluated 2025-06-01.

Allele frequency attached by ClinVar (database versions not stated): gnomAD exomes 0.00002.
gnomAD v4.1: 27 of 1,580,166 alleles (0.0017%); highest among the groups gnomAD compares: Non-Finnish European, 0.0021%; no homozygotes.

Submissions (2):

CeGaT Center for Human Genetics Tuebingen
Classification: Likely benign. Last evaluated: 2025-06-01. Review status: criteria provided, single submitter. Criteria: CeGaT Center For Human Genetics Tuebingen Variant Classification Criteria Version 2. Collection method: clinical testing. Allele origin: germline. Affected: yes. Observed: 1 variant allele.
Comment: AP3B2: BP4, BP7

Labcorp Genetics (formerly Invitae), Labcorp
Classification: Likely benign. Last evaluated: 2023-09-05. Review status: criteria provided, single submitter. Criteria: Invitae Variant Classification Sherloc (09022015). Collection method: clinical testing. Allele origin: germline.

NM_001278512.2(AP3B2):c.870C>A (p.Ala290=)

Genes: CPEB1-AS1 (CPEB1 antisense RNA 1; plus strand), AP3B2 (adaptor related protein complex 3 subunit beta 2; minus strand). Cytogenetic location: 15q25.2.
Variant type: single nucleotide variant.
Coding change: c.870C>A on transcript NM_001278512.2 (MANE Select); coding-DNA position 870, C replaced by A.
Protein change: p.Ala290=; no amino-acid change (alanine 290 retained).
Molecular consequence: synonymous variant.
Genome position (GRCh38, 1-based): chr15:82,680,657, G>T on the plus strand (C>A on the coding strand, the complement: AP3B2 is on the minus strand). VCF-style: chr15-82680657-G-T. GRCh37 (hg19) VCF-style: chr15-83349409-G-T.
Other names: c.774C>A, p.Ala258= (NM_001278511.2); c.870C>A, p.Ala290= (NM_004644.5).
Identifiers: ClinVar variation 1968641 (VCV001968641.13), dbSNP rs1054432528, ClinGen allele CA273456059.